The following is an entry in ClinVar:

ClinVar aggregate classification (germline): Likely benign. Review status: criteria provided, multiple submitters, no conflicts (2 of 4 stars). 2 submissions from 2 submitters: Likely benign (2). Last evaluated 2025-05-19.

Conditions:
Arginase deficiency. Also called: ARG1 DEFICIENCY; Arginase 1 Deficiency; ARGININEMIA. Identifiers: Orphanet 90, MedGen C0268548, MONDO:0008814, OMIM 207800.

Allele frequency attached by ClinVar (database versions not stated): gnomAD exomes below 0.00001 and 0.00001; gnomAD 0.00002 and 0.00003; TOPMed 0.00002.
gnomAD v4.1: 5 of 1,613,938 alleles (0.00031%); highest among the groups gnomAD compares: African/African-American, 0.0067%; no homozygotes.

Submissions (2):

Labcorp Genetics (formerly Invitae), Labcorp
Classification: Likely benign for Arginase deficiency. Last evaluated: 2025-05-19. Review status: criteria provided, single submitter. Criteria: Invitae Variant Classification Sherloc (09022015). Collection method: clinical testing. Allele origin: germline.

GeneDx
Classification: Likely benign. Last evaluated: 2016-04-26. Review status: criteria provided, single submitter. Criteria: GeneDx Variant Classification (06012015). Collection method: clinical testing. Allele origin: germline. Affected: yes.
Comment: This variant is considered likely benign or benign based on one or more of the following criteria: it is a conservative change, it occurs at a poorly conserved position in the protein, it is predicted to be benign by multiple in silico algorithms, and/or has population frequency not consistent with disease.

NM_000045.4(ARG1):c.621A>C (p.Gly207=)

Genes: ARG1 (arginase 1; plus strand), MED23 (mediator complex subunit 23; minus strand). Cytogenetic location: 6q23.2.
Variant type: single nucleotide variant.
Coding change: c.621A>C on transcript NM_000045.4 (MANE Select); coding-DNA position 621, A replaced by C.
Protein change: p.Gly207=; no amino-acid change (glycine 207 retained).
Molecular consequence: synonymous variant. On other transcripts: non-coding transcript variant (1), intron variant (2).
Genome position (GRCh38, 1-based): chr6:131,583,120, A>C. VCF-style: chr6-131583120-A-C. GRCh37 (hg19) VCF-style: chr6-131904260-A-C.
Other names: c.645A>C, p.Gly215= (NM_001244438.2); c.366A>C, p.Gly122= (NM_001369020.1); c.4077+4589T>G (NM_001270521.2); c.4095+4589T>G (NM_015979.4).
Identifiers: ClinVar variation 385003 (VCV000385003.48), dbSNP rs1028447199, ClinGen allele CA16604984.